The following is an entry in ClinVar:

ClinVar aggregate classification (germline): Conflicting classifications of pathogenicity. Review status: criteria provided, conflicting classifications (1 of 4 stars). 3 submissions from 3 submitters: Uncertain significance (2); Likely benign (1). Last evaluated 2025-08-25.

Conditions:
Cardiovascular phenotype. Identifiers: MedGen CN230736.
Catecholaminergic polymorphic ventricular tachycardia 1. Also called: VENTRICULAR TACHYCARDIA, CATECHOLAMINERGIC POLYMORPHIC, 1, WITH OR WITHOUT ATRIAL DYSFUNCTION AND/OR DILATED CARDIOMYOPATHY; VENTRICULAR TACHYCARDIA, STRESS-INDUCED POLYMORPHIC 1; RYR2-Related Catecholaminergic Polymorphic Ventricular Tachycardia. Identifiers: Orphanet 3286, MedGen C1631597, MONDO:0011484, OMIM 604772.
Cardiomyopathy (CMYO). Also called: Cardiomyopathies. Identifiers: Orphanet 167848, MedGen C0878544, MONDO:0004994, HP:0001638. Inheritance: Various modes of inheritance.

Allele frequency attached by ClinVar (database versions not stated): gnomAD exomes below 0.00001; gnomAD 0.00001; TOPMed 0.00001.
gnomAD v4.1: 4 of 1,591,506 alleles (0.00025%); highest among the groups gnomAD compares: African/African-American, 0.004%; no homozygotes.

Submissions (3):

Labcorp Genetics (formerly Invitae), Labcorp
Classification: Uncertain significance for Catecholaminergic polymorphic ventricular tachycardia 1. Last evaluated: 2025-08-25. Review status: criteria provided, single submitter. Criteria: Invitae Variant Classification Sherloc (09022015). Collection method: clinical testing. Allele origin: germline.
Comment: This sequence change falls in intron 40 of the RYR2 gene. It does not directly change the encoded amino acid sequence of the RYR2 protein. It affects a nucleotide within the consensus splice site. The frequency data for this variant in the population databases is considered unreliable, as metrics indicate poor data quality at this position in the gnomAD database. This variant has not been reported in the literature in individuals affected with RYR2-related conditions. ClinVar contains an entry for this variant (Variation ID: 1332668). Variants that disrupt the consensus splice site are a relatively common cause of aberrant splicing (PMID: 17576681, 9536098). Algorithms developed to predict the effect of sequence changes on RNA splicing suggest that this variant is not likely to affect RNA splicing. In summary, the available evidence is currently insufficient to determine the role of this variant in disease. Therefore, it has been classified as a Variant of Uncertain Significance.

Ambry Genetics
Classification: Uncertain significance for Cardiovascular phenotype. Last evaluated: 2021-12-14. Review status: criteria provided, single submitter. Criteria: Ambry Variant Classification Scheme 2023. Collection method: clinical testing. Allele origin: germline.
Comment: The c.6167-3C>T intronic variant results from a C to T substitution 3 nucleotides upstream from coding exon 41 in the RYR2 gene. This nucleotide position is well conserved in available vertebrate species. In silico splice site analysis predicts that this alteration will not have any significant effect on splicing. Since supporting evidence is limited at this time, the clinical significance of this alteration remains unclear.

Color Diagnostics, LLC DBA Color Health
Classification: Likely benign for Cardiomyopathy. Last evaluated: 2021-03-01. Review status: criteria provided, single submitter. Criteria: ACMG Guidelines, 2015. Collection method: clinical testing. Allele origin: germline.

Literature cited by the submitters: PubMed 17576681 (cited by Labcorp Genetics (formerly Invitae), Labcorp); PubMed 9536098 (cited by Labcorp Genetics (formerly Invitae), Labcorp).

NM_001035.3(RYR2):c.6167-3C>T

Gene: RYR2 (ryanodine receptor 2; plus strand). Cytogenetic location: 1q43.
Variant type: single nucleotide variant.
Coding change: c.6167-3C>T on transcript NM_001035.3 (MANE Select); 3 bases into the intron before coding-DNA position 6167, C replaced by T.
Molecular consequence: intron variant.
Genome position (GRCh38, 1-based): chr1:237,627,804, C>T. VCF-style: chr1-237627804-C-T. GRCh37 (hg19) VCF-style: chr1-237791104-C-T.
Other names: c.6167-3C>T (NM_001035.2).
Identifiers: ClinVar variation 1332668 (VCV001332668.11), dbSNP rs1327145604, ClinGen allele CA074771.